The following is an entry in ClinVar:

NM_001365999.1(SZT2):c.5390C>T (p.Ala1797Val)

Gene: SZT2 (SZT2 subunit of KICSTOR complex; plus strand). Cytogenetic location: 1p34.2.
Variant type: single nucleotide variant.
Coding change: c.5390C>T on transcript NM_001365999.1 (MANE Select); coding-DNA position 5390, C replaced by T.
Protein change: p.Ala1797Val; replaces alanine 1797 with valine.
Molecular consequence: missense variant.
Genome position (GRCh38, 1-based): chr1:43,432,387, C>T. VCF-style: chr1-43432387-C-T. GRCh37 (hg19) VCF-style: chr1-43898058-C-T.
Other names: c.5219C>T, p.Ala1740Val (NM_015284.4); short protein forms A1740V, A1797V.
Identifiers: ClinVar variation 648157 (VCV000648157.29), dbSNP rs201307513, ClinGen allele CA809561.

ClinVar aggregate classification (germline): Uncertain significance. Review status: criteria provided, multiple submitters, no conflicts (2 of 4 stars). 3 submissions from 3 submitters: Uncertain significance (3). Last evaluated 2024-09-28.

Allele frequency attached by ClinVar (database versions not stated): gnomAD exomes 0.00007 and 0.00012; gnomAD 0.00011; ExAC 0.00012; TOPMed 0.00012; 1000 Genomes Project 0.00040; 1000 Genomes Project 30x 0.00047.
gnomAD v4.1: 126 of 1,597,228 alleles (0.0079%); highest among the groups gnomAD compares: Admixed American, 0.03%; no homozygotes.

Submissions (3):

GeneDx
Classification: Uncertain significance. Last evaluated: 2024-09-28. Review status: criteria provided, single submitter. Criteria: GeneDx Variant Classification Process June 2021. Collection method: clinical testing. Allele origin: germline. Affected: yes.
Comment: In silico analysis indicates that this missense variant does not alter protein structure/function; Has not been previously published as pathogenic or benign to our knowledge

CeGaT Center for Human Genetics Tuebingen
Classification: Uncertain significance. Last evaluated: 2024-02-01. Review status: criteria provided, single submitter. Criteria: CeGaT Center For Human Genetics Tuebingen Variant Classification Criteria Version 2. Collection method: clinical testing. Allele origin: germline. Affected: yes. Observed: 1 variant allele.
Comment: SZT2: PM2, BP4

Labcorp Genetics (formerly Invitae), Labcorp
Classification: Uncertain significance. Last evaluated: 2022-08-13. Review status: criteria provided, single submitter. Criteria: Invitae Variant Classification Sherloc (09022015). Collection method: clinical testing. Allele origin: germline.
Comment: This sequence change replaces alanine, which is neutral and non-polar, with valine, which is neutral and non-polar, at codon 1740 of the SZT2 protein (p.Ala1740Val). This variant is present in population databases (rs201307513, gnomAD 0.03%). This variant has not been reported in the literature in individuals affected with SZT2-related conditions. ClinVar contains an entry for this variant (Variation ID: 648157). Algorithms developed to predict the effect of missense changes on protein structure and function output the following: SIFT: "Deleterious"; PolyPhen-2: "Benign"; Align-GVGD: "Class C0". The valine amino acid residue is found in multiple mammalian species, which suggests that this missense change does not adversely affect protein function. In summary, the available evidence is currently insufficient to determine the role of this variant in disease. Therefore, it has been classified as a Variant of Uncertain Significance.